The following is an entry in ClinVar:

NM_024675.4(PALB2):c.293T>C (p.Ile98Thr)

Gene: PALB2 (partner and localizer of BRCA2; minus strand). Cytogenetic location: 16p12.2.
Variant type: single nucleotide variant.
Coding change: c.293T>C on transcript NM_024675.4 (MANE Select); coding-DNA position 293, T replaced by C.
Protein change: p.Ile98Thr; replaces isoleucine 98 with threonine.
Molecular consequence: missense variant. On other transcripts: 5 prime UTR variant (8), intron variant (3).
Genome position (GRCh38, 1-based): chr16:23,636,253, A>G on the plus strand (T>C on the coding strand, the complement: PALB2 is on the minus strand). VCF-style: chr16-23636253-A-G. GRCh37 (hg19) VCF-style: chr16-23647574-A-G.
Other names: c.233T>C, p.Ile78Thr (NM_001407296.1); c.293T>C, p.Ile98Thr (NM_001407297.1, NM_001407298.1, NM_001407299.1 and 3 more transcripts); c.-593T>C (NM_001407304.1, NM_001407305.1, NM_001407306.1 and 5 more transcripts); c.48+4857T>C (NM_001407314.1); c.-105+4857T>C (NM_001407313.1, NM_001407312.1); short protein forms I78T, I98T.
Identifiers: ClinVar variation 3602624 (VCV003602624.1).

ClinVar aggregate classification (germline): Uncertain significance (1 of 4 stars; one submission).

Conditions:
Hereditary cancer-predisposing syndrome. Also called: Tumor predisposition; Hereditary neoplastic syndrome; Neoplastic Syndromes, Hereditary; Hereditary Cancer Syndrome. Identifiers: Orphanet 140162, MedGen C0027672, MeSH D009386, MONDO:0015356.

Submission:

Institute for Biomarker Research, Medical Diagnostic Laboratories, L.L.C.
Classification: Uncertain significance for Hereditary cancer-predisposing syndrome. Last evaluated: 2024-11-20. Review status: criteria provided, single submitter. Criteria: ACMG Guidelines, 2015. Collection method: clinical testing. Allele origin: germline.
Comment: The missense variant NM_024675.4(PALB2):c.293T>C (p.Ile98Thr) has not been reported previously as a pathogenic variant nor as a benign variant, to our knowledge. The p.Ile98Thr variant is novel (not in any individuals) in gnomAD. The p.Ile98Thr variant is novel (not in any individuals) in 1kG. There is a moderate physicochemical difference between isoleucine and threonine. The p.Ile98Thr variant is not predicted to introduce a novel splice site by any splice site algorithm. The p.Ile98Thr missense variant is predicted to be tolerated by both SIFT or PolyPhen2. The threonine residue at codon 98 of PALB2 is present in Orangutan and 1 other mammalian species. The nucleotide c.293 in PALB2 is not conserved according to a GERP++ and PhyloP analysis of 100 vertebrates. For these reasons, this variant has been classified as Uncertain Significance